The following is an entry in ClinVar:

ClinVar aggregate classification (germline): Uncertain significance (1 of 4 stars; one submission).

Conditions:
Aicardi-Goutieres syndrome 5. Identifiers: Orphanet 51, MedGen C2749659, MONDO:0013059, OMIM 612952.

Submission:

Labcorp Genetics (formerly Invitae), Labcorp
Classification: Uncertain significance for Aicardi-Goutieres syndrome 5. Last evaluated: 2022-08-23. Review status: criteria provided, single submitter. Criteria: Invitae Variant Classification Sherloc (09022015). Collection method: clinical testing. Allele origin: germline.
Comment: This sequence change replaces asparagine, which is neutral and polar, with aspartic acid, which is acidic and polar, at codon 24 of the SAMHD1 protein (p.Asn24Asp). This variant is not present in population databases (gnomAD no frequency). This variant has not been reported in the literature in individuals affected with SAMHD1-related conditions. In summary, the available evidence is currently insufficient to determine the role of this variant in disease. Therefore, it has been classified as a Variant of Uncertain Significance. ClinVar contains an entry for this variant (Variation ID: 1351550). Algorithms developed to predict the effect of missense changes on protein structure and function output the following: SIFT: "Tolerated"; PolyPhen-2: "Benign"; Align-GVGD: "Class C0". The aspartic acid amino acid residue is found in multiple mammalian species, which suggests that this missense change does not adversely affect protein function.

NM_015474.4(SAMHD1):c.70A>G (p.Asn24Asp)

Gene: SAMHD1 (SAM and HD domain containing deoxynucleoside triphosphate triphosphohydrolase 1; minus strand). Cytogenetic location: 20q11.23.
Variant type: single nucleotide variant.
Coding change: c.70A>G on transcript NM_015474.4 (MANE Select); coding-DNA position 70, A replaced by G.
Protein change: p.Asn24Asp; replaces asparagine 24 with aspartic acid.
Molecular consequence: missense variant.
Genome position (GRCh38, 1-based): chr20:36,951,574, T>C on the plus strand (A>G on the coding strand, the complement: SAMHD1 is on the minus strand). VCF-style: chr20-36951574-T-C. GRCh37 (hg19) VCF-style: chr20-35579977-T-C.
Other names: c.70A>G, p.Asn24Asp (NM_001363729.2, NM_001363733.2); short protein forms N24D.
Identifiers: ClinVar variation 1351550 (VCV001351550.8), dbSNP rs2146160848, ClinGen allele CA408832552.